The following is an entry in ClinVar:

NM_152564.5(VPS13B):c.7786T>G (p.Cys2596Gly)

Gene: VPS13B (vacuolar protein sorting 13 homolog B; plus strand). Cytogenetic location: 8q22.2.
Variant type: single nucleotide variant.
Coding change: c.7786T>G on transcript NM_152564.5 (MANE Select); coding-DNA position 7786, T replaced by G.
Protein change: p.Cys2596Gly; replaces cysteine 2596 with glycine.
Molecular consequence: missense variant.
Genome position (GRCh38, 1-based): chr8:99,784,321, T>G. VCF-style: chr8-99784321-T-G. GRCh37 (hg19) VCF-style: chr8-100796549-T-G.
Other names: c.7861T>G, p.Cys2621Gly (NM_017890.5); short protein forms C2596G, C2621G.
Identifiers: ClinVar variation 4634431 (VCV004634431.2).
Genomic context (GRCh38, chr8:99,784,321, plus strand): 5'-AACATCTTACAATTAATCCGATCCATGTTGGCTTTCGTATCCTTTTTCTTTCAGAACAAA[T>G]GCCCTGAGGTAGAGGAGTTGGTCTTCAGCCATTTTGTGATCTGTAATGACACACAGGAGA-3'
Protein context (NP_689777.3, residues 2586-2606): TAIQAWQQNK[Cys2596Gly]PEVEELVFSH

ClinVar aggregate classification (germline): Uncertain significance. Review status: criteria provided, multiple submitters, no conflicts (2 of 4 stars). 2 submissions from 2 submitters: Uncertain significance (2). Last evaluated 2025-11-11.

Conditions:
Inborn genetic diseases. Identifiers: MedGen C0950123, MeSH D030342.
VPS13B-related disorder. Also called: VPS13B-related condition.

gnomAD v4.1: 30 of 1,613,512 alleles (0.0019%); highest among the groups gnomAD compares: Non-Finnish European, 0.0025%; no homozygotes.

Submissions (2):

Ambry Genetics
Classification: Uncertain significance for Inborn genetic diseases. Last evaluated: 2025-11-11. Review status: criteria provided, single submitter. Criteria: Ambry Variant Classification Scheme 2023. Collection method: clinical testing. Allele origin: germline.

PreventionGenetics, part of Exact Sciences
Classification: Uncertain significance for VPS13B-related condition. Last evaluated: 2024-11-13. Review status: criteria provided, single submitter. Criteria: ACMG Guidelines, 2015. Collection method: clinical testing. Allele origin: germline.
Comment: The VPS13B c.7786T>G variant is predicted to result in the amino acid substitution p.Cys2596Gly. To our knowledge, this variant has not been reported in the literature. This variant is reported in 0.0018% of alleles in individuals of European (Non-Finnish) descent in gnomAD. At this time, the clinical significance of this variant is uncertain due to the absence of conclusive functional and genetic evidence.